The following is an entry in ClinVar:

ClinVar aggregate classification (germline): Uncertain significance. Review status: criteria provided, multiple submitters, no conflicts (2 of 4 stars). 3 submissions from 3 submitters: Uncertain significance (3). Last evaluated 2025-01-21.

Conditions:
Leukoencephalopathy with brain stem and spinal cord involvement-high lactate syndrome (LBSL). Also called: LEUKOENCEPHALOPATHY WITH BRAINSTEM AND SPINAL CORD INVOLVEMENT AND LACTATE ELEVATION, MILD; MITOCHONDRIAL ASPARTYL-tRNA SYNTHETASE DEFICIENCY; Leukoencephalopathy with Brainstem and Spinal Cord Involvement and Lactate Elevation. Identifiers: Orphanet 137898, MedGen C1970180, MONDO:0012622, OMIM 611105.

Allele frequency attached by ClinVar (database versions not stated): gnomAD 0.00001; gnomAD exomes 0.00001; TOPMed 0.00001; ExAC 0.00002.
gnomAD v4.1: 8 of 1,613,786 alleles (0.0005%); highest among the groups gnomAD compares: Non-Finnish European, 0.00059%; no homozygotes.

Submissions (3):

Broad Center for Mendelian Genomics, Broad Institute of MIT and Harvard
Classification: Uncertain significance for Leukoencephalopathy with brain stem and spinal cord involvement-high lactate syndrome. Last evaluated: 2025-01-21. Review status: criteria provided, single submitter. Criteria: ACMG Guidelines, 2015. Collection method: curation. Allele origin: germline. Inheritance: Autosomal recessive inheritance.
Comment: The p.Gln248Lys variant in DARS2 has been reported, in the compound heterozygous state, in 1 individual with leukoencephalopathy with brain stem and spinal cord involvement-high lactate syndrome (PMID:17384640), and has been identified in 0.002% (1/63980) of European (Finnish) chromosomes by the Genome Aggregation Database (gnomAD; dbSNP rs772489337). Although this variant has been seen in the general population in a heterozygous state, its frequency is low enough to be consistent with a recessive carrier frequency. This variant has also been reported in ClinVar (Variation ID: 1303067) and has been interpreted as a variant of uncertain significance by GeneDx. Computational prediction tools and conservation analyses suggest that this variant may impact the protein, though this information is not predictive enough to determine pathogenicity. In summary, the clinical significance of the p.Gln248Lys variant is uncertain. ACMG/AMP Criteria applied: PP3_moderate, PM2_supporting, PM3_supporting (Richards 2015).

Labcorp Genetics (formerly Invitae), Labcorp
Classification: Uncertain significance. Last evaluated: 2024-05-17. Review status: criteria provided, single submitter. Criteria: Invitae Variant Classification Sherloc (09022015). Collection method: clinical testing. Allele origin: germline.
Comment: This sequence change replaces glutamine, which is neutral and polar, with lysine, which is basic and polar, at codon 248 of the DARS2 protein (p.Gln248Lys). This variant is present in population databases (rs772489337, gnomAD 0.002%). This missense change has been observed in individual(s) with leukoencephalopathy (PMID: 17384640). ClinVar contains an entry for this variant (Variation ID: 1303067). Advanced modeling of protein sequence and biophysical properties (such as structural, functional, and spatial information, amino acid conservation, physicochemical variation, residue mobility, and thermodynamic stability) has been performed at Invitae for this missense variant, however the output from this modeling did not meet the statistical confidence thresholds required to predict the impact of this variant on DARS2 protein function. In summary, the available evidence is currently insufficient to determine the role of this variant in disease. Therefore, it has been classified as a Variant of Uncertain Significance.

GeneDx
Classification: Uncertain significance. Last evaluated: 2020-10-01. Review status: criteria provided, single submitter. Criteria: GeneDx Variant Classification Process June 2021. Collection method: clinical testing. Allele origin: germline. Affected: yes.
Comment: This variant is associated with the following publications: (PMID: 17384640)

Literature cited by the submitters: PubMed 17384640 (cited by Labcorp Genetics (formerly Invitae), Labcorp).

NM_018122.5(DARS2):c.742C>A (p.Gln248Lys)

Gene: DARS2 (aspartyl-tRNA synthetase 2, mitochondrial; plus strand). Cytogenetic location: 1q25.1.
Variant type: single nucleotide variant.
Coding change: c.742C>A on transcript NM_018122.5 (MANE Select); coding-DNA position 742, C replaced by A.
Protein change: p.Gln248Lys; replaces glutamine 248 with lysine.
Molecular consequence: missense variant.
Genome position (GRCh38, 1-based): chr1:173,837,018, C>A. VCF-style: chr1-173837018-C-A. GRCh37 (hg19) VCF-style: chr1-173806156-C-A.
Other names: NM_018122.5(DARS2):c.742C>A; p.Gln248Lys; c.742C>A, p.Gln248Lys (NM_001365212.1, NM_001365213.2); short protein forms Q248K.
Identifiers: ClinVar variation 1303067 (VCV001303067.5), dbSNP rs772489337, ClinGen allele CA1250222.
Genomic context (GRCh38, chr1:173,837,018, plus strand): 5'-GTACCATCCAGGGAACCTGGAAAGTTTTATTCTCTCCCTCAGAGTCCTCAACAGTTTAAG[C>A]AACTTCTGATGGTTGGCGGTTTAGACAGGTGAGCTTTTTTTATGCTAGCAGTTGTCAGAA-3'
Protein context (NP_060592.2, residues 238-258): SLPQSPQQFK[Gln248Lys]LLMVGGLDRY